The following is an entry in ClinVar:

NM_153676.4(USH1C):c.37-47G>T

Gene: USH1C (USH1 protein network component harmonin; minus strand). Cytogenetic location: 11p15.1.
Variant type: single nucleotide variant.
Coding change: c.37-47G>T on transcript NM_153676.4 (MANE Select); 47 bases into the intron before coding-DNA position 37, G replaced by T.
Molecular consequence: intron variant.
Genome position (GRCh38, 1-based): chr11:17,533,369, C>A on the plus strand (G>T on the coding strand, the complement: USH1C is on the minus strand). VCF-style: chr11-17533369-C-A. GRCh37 (hg19) VCF-style: chr11-17554916-C-A.
Other names: c.37-47G>T (NM_001297764.2, NM_005709.4).
Identifiers: ClinVar variation 262735 (VCV000262735.6), dbSNP rs2355022, ClinGen allele CA5905256.

ClinVar aggregate classification (germline): Benign. Review status: criteria provided, multiple submitters, no conflicts (2 of 4 stars). 5 submissions from 4 submitters: Benign (5). Last evaluated 2021-07-10.

Conditions:
Autosomal recessive nonsyndromic hearing loss 18A. Also called: Deafness, autosomal recessive 18A; DEAFNESS, AUTOSOMAL RECESSIVE 18. Identifiers: Orphanet 90636, MedGen C1865870, MONDO:0011192, OMIM 602092.
Usher syndrome type 1C. Also called: USHER SYNDROME, TYPE I, ACADIAN VARIETY. Identifiers: Orphanet 231169, Orphanet 886, MedGen C1848604, MONDO:0010171, OMIM 276904.

Allele frequency attached by ClinVar (database versions not stated): ESP Exome Variant Server 0.00162; gnomAD 0.09867 and 0.10505; TOPMed 0.11122; gnomAD exomes 0.12465 and 0.12627; ExAC 0.13634.

Submissions (5):

Genome-Nilou Lab
Classification: Benign for Usher syndrome type 1C. Last evaluated: 2021-07-10. Review status: criteria provided, single submitter. Criteria: ACMG Guidelines, 2015. Collection method: clinical testing. Allele origin: germline. Affected: no.

Genome-Nilou Lab
Classification: Benign for Autosomal recessive nonsyndromic hearing loss 18A. Last evaluated: 2021-07-10. Review status: criteria provided, single submitter. Criteria: ACMG Guidelines, 2015. Collection method: clinical testing. Allele origin: germline. Affected: no.

GeneDx
Classification: Benign. Last evaluated: 2018-06-16. Review status: criteria provided, single submitter. Criteria: GeneDx Variant Classification (06012015). Collection method: clinical testing. Allele origin: germline. Affected: yes.
Comment: This variant is considered likely benign or benign based on one or more of the following criteria: it is a conservative change, it occurs at a poorly conserved position in the protein, it is predicted to be benign by multiple in silico algorithms, and/or has population frequency not consistent with disease.

Breakthrough Genomics
Classification: Benign. Review status: criteria provided, single submitter. Criteria: ACMG Guidelines, 2015. Collection method: not provided. Allele origin: germline. Inheritance: Autosomal recessive inheritance. Affected: yes.

PreventionGenetics, part of Exact Sciences
Classification: Benign. Review status: criteria provided, single submitter. Criteria: ACMG Guidelines, 2015. Collection method: clinical testing. Allele origin: germline.